The following is an entry in ClinVar:

NM_001267550.2(TTN):c.24075del (p.Ile8025fs)

Gene: TTN (titin; minus strand). Cytogenetic location: 2q31.2.
Variant type: Deletion.
Coding change: c.24075del on transcript NM_001267550.2 (MANE Select); coding-DNA position 24075, one base deleted (T; older notation c.24075delT).
Protein change: p.Ile8025fs; shifts the reading frame from isoleucine 8025.
Molecular consequence: frameshift variant. On other transcripts: intron variant (3).
Genome position (GRCh38, 1-based): chr2:178,719,315, A deleted on the plus strand (T on the coding strand, the reverse complement: TTN is on the minus strand); the first of 2 consecutive A bases (chr2:178,719,315-178,719,316); deleting either gives the same sequence. VCF-style (leftmost placement, unchanged base first): chr2-178719314-CA-C. GRCh37 (hg19) VCF-style: chr2-179584041-CA-C.
Other names: c.23124del, p.Ile7708fs (NM_001256850.1); c.20343del, p.Ile6781fs (NM_133378.4); c.13282+18767del (NM_003319.4); c.13858+18767del (NM_133437.4); c.13657+18767del (NM_133432.3); short protein forms I6781fs, I8025fs, I7708fs.
Identifiers: ClinVar variation 1363652 (VCV001363652.8), dbSNP rs2154300014, ClinGen allele CA2573134000.

ClinVar aggregate classification (germline): Likely pathogenic (1 of 4 stars; one submission).

Conditions:
Dilated cardiomyopathy 1G (CMD1G). Identifiers: Orphanet 154, MedGen C1858763, MONDO:0011400, OMIM 604145.
Autosomal recessive limb-girdle muscular dystrophy type 2J (LGMDR10). Also called: Limb-girdle muscular dystrophy, type 2J; MUSCULAR DYSTROPHY, LIMB-GIRDLE, AUTOSOMAL RECESSIVE 10. Identifiers: Orphanet 140922, MedGen C1837342, MONDO:0012127, OMIM 608807.

Submission:

Labcorp Genetics (formerly Invitae), Labcorp
Classification: Likely pathogenic for Dilated cardiomyopathy 1G; Autosomal recessive limb-girdle muscular dystrophy type 2J. Last evaluated: 2024-10-18. Review status: criteria provided, single submitter. Criteria: Invitae Variant Classification Sherloc (09022015). Collection method: clinical testing. Allele origin: germline.
Comment: This sequence change creates a premature translational stop signal (p.Ile8025Metfs*18) in the TTN gene. While this is not anticipated to result in nonsense mediated decay, it is expected to create a truncated TTN protein. This variant is not present in population databases (gnomAD no frequency). This variant has not been reported in the literature in individuals affected with TTN-related conditions. ClinVar contains an entry for this variant (Variation ID: 1363652). Algorithms developed to predict the effect of sequence changes on RNA splicing suggest that this variant may disrupt the consensus splice site. This variant is located in the I band of TTN (PMID: 25589632). Truncating variants in this region have been reported in individuals affected with autosomal recessive centronuclear myopathy (PMID: 23975875, internal data). Truncating variants in this region have also been identified in individuals affected with autosomal dominant dilated cardiomyopathy and/or cardio-related conditions (PMID: 27869827, 32964742, internal data). In summary, the currently available evidence indicates that the variant is pathogenic, but additional data are needed to prove that conclusively. Therefore, this variant has been classified as Likely Pathogenic.

Literature cited by the submitters: PubMed 25589632; PubMed 23975875; PubMed 27869827; PubMed 32964742.